The following is an entry in ClinVar:

NM_213599.3(ANO5):c.1800+5G>A

Gene: ANO5 (anoctamin 5; plus strand). Cytogenetic location: 11p14.3.
Variant type: single nucleotide variant.
Coding change: c.1800+5G>A on transcript NM_213599.3 (MANE Select); 5 bases into the intron after coding-DNA position 1800, G replaced by A.
Molecular consequence: intron variant.
Genome position (GRCh38, 1-based): chr11:22,262,303, G>A. VCF-style: chr11-22262303-G-A. GRCh37 (hg19) VCF-style: chr11-22283849-G-A.
Other names: c.1800+5G>A (NM_213599.2); c.1797+5G>A (NM_001142649.2).
Identifiers: ClinVar variation 194687 (VCV000194687.12), dbSNP rs794727179, ClinGen allele CA240799.
Genomic context (GRCh38, chr11:22,262,303, plus strand): 5'-TCGTAGGCTATCCTGGAAAATACACATATTTATTTAATGAGTGGAGAAGTGAAGAGGTAA[G>A]AATTTCCTTGAGAGTTGAGGTGTGTAGCTTCAATACCTCAGTATTAACAACTTTCTGTGT-3'

ClinVar aggregate classification (germline): Uncertain significance. Review status: criteria provided, multiple submitters, no conflicts (2 of 4 stars). 3 submissions from 3 submitters: Uncertain significance (2). 1 of the submissions does not count toward it. Last evaluated 2025-08-18.

Conditions:
Autosomal recessive limb-girdle muscular dystrophy type 2L (LGMDR12). Also called: Limb-girdle muscular dystrophy, type 2L; MUSCULAR DYSTROPHY, LIMB-GIRDLE, AUTOSOMAL RECESSIVE 12; Limb-Girdle Muscular Dystrophy R12 Anoctamin-5-Related (LGMD-R12). Identifiers: Orphanet 206549, MedGen C1969785, MONDO:0012652, OMIM 611307.
Gnathodiaphyseal dysplasia (GDD). Also called: OSTEOGENESIS IMPERFECTA WITH UNUSUAL SKELETAL LESIONS; GNATHODIAPHYSEAL SCLEROSIS. Identifiers: Orphanet 53697, MedGen C1833736, MONDO:0008151, OMIM 166260.
ANO5-related disorder. Also called: ANO5-related disorders; ANO5-related condition. Identifiers: MedGen CN239193.

Allele frequency attached by ClinVar (database versions not stated): gnomAD exomes below 0.00001; gnomAD 0.00001; TOPMed 0.00001.
gnomAD v4.1: 3 of 1,613,054 alleles (0.00019%); highest among the groups gnomAD compares: Admixed American, 0.005%; no homozygotes.

Submissions (3):

Labcorp Genetics (formerly Invitae), Labcorp
Classification: Uncertain significance for Autosomal recessive limb-girdle muscular dystrophy type 2L; Gnathodiaphyseal dysplasia. Last evaluated: 2025-08-18. Review status: criteria provided, single submitter. Criteria: Invitae Variant Classification Sherloc (09022015). Collection method: clinical testing. Allele origin: germline.
Comment: This sequence change falls in intron 16 of the ANO5 gene. It does not directly change the encoded amino acid sequence of the ANO5 protein. It affects a nucleotide within the consensus splice site. This variant is present in population databases (rs794727179, gnomAD no frequency). This variant has not been reported in the literature in individuals affected with ANO5-related conditions. ClinVar contains an entry for this variant (Variation ID: 194687). Variants that disrupt the consensus splice site are a relatively common cause of aberrant splicing (PMID: 17576681, 9536098). Algorithms developed to predict the effect of sequence changes on RNA splicing suggest that this variant may disrupt the consensus splice site. In summary, the available evidence is currently insufficient to determine the role of this variant in disease. Therefore, it has been classified as a Variant of Uncertain Significance.

Eurofins Ntd Llc (ga)
Classification: Uncertain significance. Last evaluated: 2015-05-04. Review status: criteria provided, single submitter. Criteria: EGL Classification Definitions 2015. Collection method: clinical testing. Allele origin: germline. Observed: 1 variant allele, 1 heterozygote.

PreventionGenetics, part of Exact Sciences
Classification: Likely benign for ANO5-related condition. Last evaluated: 2024-02-02. Review status: no assertion criteria provided. Collection method: clinical testing. Allele origin: germline. Not counted in ClinVar's aggregate classification.
Comment: This variant is classified as likely benign based on ACMG/AMP sequence variant interpretation guidelines (Richards et al. 2015 PMID: 25741868, with internal and published modifications).

Literature cited by the submitters: PubMed 17576681 (cited by Labcorp Genetics (formerly Invitae), Labcorp); PubMed 9536098 (cited by Labcorp Genetics (formerly Invitae), Labcorp).